The following is an entry in ClinVar:

ClinVar aggregate classification (germline): Uncertain significance (1 of 4 stars; one submission).

Conditions:
Cardiovascular phenotype. Identifiers: MedGen CN230736.

Allele frequency attached by ClinVar (database versions not stated): gnomAD exomes below 0.00001; TOPMed below 0.00001.
gnomAD v4.1: 5 of 1,609,276 alleles (0.00031%); highest among the groups gnomAD compares: Non-Finnish European, 0.00042%; no homozygotes.

Submission:

Ambry Genetics
Classification: Uncertain significance for Cardiovascular phenotype. Last evaluated: 2024-02-26. Review status: criteria provided, single submitter. Criteria: Ambry Variant Classification Scheme 2023. Collection method: clinical testing. Allele origin: germline.
Comment: The p.C74Y variant (also known as c.221G>A), located in coding exon 1 of the TECRL gene, results from a G to A substitution at nucleotide position 221. The cysteine at codon 74 is replaced by tyrosine, an amino acid with highly dissimilar properties. This amino acid position is highly conserved in available vertebrate species. In addition, the in silico prediction for this alteration is inconclusive. Since supporting evidence is limited at this time, the clinical significance of this alteration remains unclear.

NM_001010874.5(TECRL):c.221G>A (p.Cys74Tyr)

Gene: TECRL (trans-2,3-enoyl-CoA reductase like; minus strand). Cytogenetic location: 4q13.1.
Variant type: single nucleotide variant.
Coding change: c.221G>A on transcript NM_001010874.5 (MANE Select); coding-DNA position 221, G replaced by A.
Protein change: p.Cys74Tyr; replaces cysteine 74 with tyrosine.
Molecular consequence: missense variant.
Genome position (GRCh38, 1-based): chr4:64,409,131, C>T on the plus strand (G>A on the coding strand, the complement: TECRL is on the minus strand). VCF-style: chr4-64409131-C-T. GRCh37 (hg19) VCF-style: chr4-65274849-C-T.
Other names: c.221G>A, p.Cys74Tyr (NM_001363796.1); short protein forms C74Y.
Identifiers: ClinVar variation 1787908 (VCV001787908.2), dbSNP rs894970499, ClinGen allele CA98683982.